The following is an entry in ClinVar:

NM_175914.5(HNF4A):c.925C>G (p.Arg309Gly)

Gene: HNF4A (hepatocyte nuclear factor 4 alpha; plus strand). Cytogenetic location: 20q13.12.
Variant type: single nucleotide variant.
Coding change: c.925C>G on transcript NM_175914.5 (MANE Select); coding-DNA position 925, C replaced by G.
Protein change: p.Arg309Gly; replaces arginine 309 with glycine.
Molecular consequence: missense variant.
Genome position (GRCh38, 1-based): chr20:44,424,116, C>G. VCF-style: chr20-44424116-C-G. GRCh37 (hg19) VCF-style: chr20-43052756-C-G.
Other names: c.991C>G, p.Arg331Gly (NM_000457.6, NM_178849.3, NM_178850.3); c.925C>G, p.Arg309Gly (NM_001030003.3, NM_001030004.3); c.970C>G, p.Arg324Gly (NM_001258355.2); c.916C>G, p.Arg306Gly (NM_001287182.2, NM_001287183.2, NM_001287184.2); short protein forms R306G, R331G, R324G, R309G.
Identifiers: ClinVar variation 4721705 (VCV004721705.1).

ClinVar aggregate classification (germline): Uncertain significance (1 of 4 stars; one submission).

Submission:

Labcorp Genetics (formerly Invitae), Labcorp
Classification: Uncertain significance. Last evaluated: 2025-04-10. Review status: criteria provided, single submitter. Criteria: Invitae Variant Classification Sherloc (09022015). Collection method: clinical testing. Allele origin: germline.
Comment: This sequence change replaces arginine, which is basic and polar, with glycine, which is neutral and non-polar, at codon 309 of the HNF4A protein (p.Arg309Gly). This variant is not present in population databases (gnomAD no frequency). This variant has not been reported in the literature in individuals affected with HNF4A-related conditions. Invitae Evidence Modeling of protein sequence and biophysical properties (such as structural, functional, and spatial information, amino acid conservation, physicochemical variation, residue mobility, and thermodynamic stability) has been performed for this missense variant. However, the output from this modeling did not meet the statistical confidence thresholds required to predict the impact of this variant on HNF4A protein function. This variant disrupts the p.Arg309 amino acid residue in HNF4A. Other variant(s) that disrupt this residue have been observed in individuals with HNF4A-related conditions (PMID: 30293189, 36504295), which suggests that this may be a clinically significant amino acid residue. In summary, the available evidence is currently insufficient to determine the role of this variant in disease. Therefore, it has been classified as a Variant of Uncertain Significance.

Literature cited by the submitters: PubMed 30293189; PubMed 36504295.